The following is an entry in ClinVar:

NM_024678.6(NARS2):c.174A>G (p.Glu58=)

Gene: NARS2 (asparaginyl-tRNA synthetase 2, mitochondrial; minus strand). Cytogenetic location: 11q14.1.
Variant type: single nucleotide variant.
Coding change: c.174A>G on transcript NM_024678.6 (MANE Select); coding-DNA position 174, A replaced by G.
Protein change: p.Glu58=; no amino-acid change (glutamic acid 58 retained).
Molecular consequence: synonymous variant. On other transcripts: 5 prime UTR variant (1).
Genome position (GRCh38, 1-based): chr11:78,571,412, T>C on the plus strand (A>G on the coding strand, the complement: NARS2 is on the minus strand). VCF-style: chr11-78571412-T-C. GRCh37 (hg19) VCF-style: chr11-78282457-T-C.
Other names: c.-508A>G (NM_001243251.2).
Identifiers: ClinVar variation 382380 (VCV000382380.22), dbSNP rs181862634, ClinGen allele CA6205924.

ClinVar aggregate classification (germline): Benign/Likely benign. Review status: criteria provided, multiple submitters, no conflicts (2 of 4 stars). 4 submissions from 4 submitters: Benign (3); Likely benign (1). Last evaluated 2026-07-01.

Allele frequency attached by ClinVar (database versions not stated): gnomAD exomes 0.00037 and 0.00162; gnomAD 0.00038; 1000 Genomes Project 0.00060; 1000 Genomes Project 30x 0.00062; TOPMed 0.00088; ExAC 0.00116.
gnomAD v4.1: 606 of 1,613,452 alleles (0.038%); highest among the groups gnomAD compares: Admixed American, 0.98%; 7 homozygotes.

Submissions (4):

CeGaT Center for Human Genetics Tuebingen
Classification: Likely benign. Last evaluated: 2026-07-01. Review status: criteria provided, single submitter. Criteria: CeGaT Center For Human Genetics Tuebingen Variant Classification Criteria Version 2. Collection method: clinical testing. Allele origin: germline. Affected: yes. Observed: 4 variant alleles.
Comment: NARS2: BP4, BP7

Labcorp Genetics (formerly Invitae), Labcorp
Classification: Benign. Last evaluated: 2026-01-06. Review status: criteria provided, single submitter. Criteria: Invitae Variant Classification Sherloc (09022015). Collection method: clinical testing. Allele origin: germline.

GeneDx
Classification: Benign. Last evaluated: 2017-10-30. Review status: criteria provided, single submitter. Criteria: GeneDx Variant Classification (06012015). Collection method: clinical testing. Allele origin: germline. Affected: yes.
Comment: This variant is considered likely benign or benign based on one or more of the following criteria: it is a conservative change, it occurs at a poorly conserved position in the protein, it is predicted to be benign by multiple in silico algorithms, and/or has population frequency not consistent with disease.

Breakthrough Genomics
Classification: Benign. Review status: criteria provided, single submitter. Criteria: ACMG Guidelines, 2015. Collection method: not provided. Allele origin: germline. Inheritance: Autosomal recessive inheritance. Affected: yes.